The following is an entry in ClinVar:

ClinVar aggregate classification (germline): Likely pathogenic (1 of 4 stars; one submission).

Conditions:
Agenesis of the corpus callosum with peripheral neuropathy (ACCPN). Also called: CHARLEVOIX DISEASE; POLYNEUROPATHY, SENSORIMOTOR, WITH OR WITHOUT AGENESIS OF THE CORPUS CALLOSUM; HMSN/ACC; Hereditary Motor and Sensory Neuropathy with Agenesis of the Corpus Callosum. Identifiers: Orphanet 1496, MedGen C0795950, MONDO:0000902, OMIM 218000. Disease mechanism: loss of function.

Submission:

Myriad Genetics, Inc.
Classification: Likely pathogenic for Agenesis of the corpus callosum with peripheral neuropathy. Last evaluated: 2022-02-25. Review status: criteria provided, single submitter. Criteria: Myriad Women's Health Autosomal Recessive and X-Linked Classification Criteria (2021). Collection method: clinical testing. Allele origin: unknown.
Comment: NM_133647.1(SLC12A6):c.519_520delTG(E174Rfs*70) is expected to be pathogenic in the context of Andermann syndrome. This variant is predicted to lead to an abnormal or absent protein product due to the creation of a premature termination codon in SLC12A6, a gene where loss-of-function variants are known to be pathogenic. Please note: this variant was assessed in the context of healthy population screening.

NM_001365088.1(SLC12A6):c.519_520del (p.Glu174fs)

Gene: SLC12A6 (solute carrier family 12 member 6; minus strand). Cytogenetic location: 15q14.
Variant type: Deletion.
Coding change: c.519_520del on transcript NM_001365088.1 (MANE Select); coding-DNA positions 519 to 520, 2 bases deleted (TG; older notation c.519_520delTG).
Protein change: p.Glu174fs; shifts the reading frame from glutamic acid 174.
Molecular consequence: frameshift variant.
Genome position (GRCh38, 1-based): chr15:34,258,836-34,258,837, CA deleted on the plus strand (TG on the coding strand, the reverse complement: SLC12A6 is on the minus strand). VCF-style (leftmost placement, unchanged base first): chr15-34258835-TCA-T. GRCh37 (hg19) VCF-style: chr15-34551036-TCA-T.
Other names: c.342_343del, p.Glu115fs (NM_001042494.2, NM_001042495.2); c.492_493del, p.Glu165fs (NM_001042496.2); c.474_475del, p.Glu159fs (NM_001042497.2); c.366_367del, p.Glu123fs (NM_005135.2); c.519_520del, p.Glu174fs (NM_133647.2); short protein forms E115fs, E123fs, E159fs, E165fs, E174fs.
Identifiers: ClinVar variation 1724734 (VCV001724734.2), dbSNP rs2509837476, ClinGen allele CA2580089240.
Genomic context (GRCh38, chr15:34,258,835, plus strand): 5'-GCTCTTTCTATGTATTCCTTGTTATTCTGAGGCCTCACCTTGGTGGGCTTCTTTTTCCCT[TCA>T]GTGATGTTTTCTGCCTCTTCATGTTCCTTTGCTCCTTGAGTCAGATTAGTGTAATTGGCC-3'